The following is an entry in ClinVar:

ClinVar aggregate classification (germline): Uncertain significance (1 of 4 stars; one submission).

Submission:

GeneDx
Classification: Uncertain significance. Last evaluated: 2020-02-03. Review status: criteria provided, single submitter. Criteria: GeneDx Variant Classification Process June 2021. Collection method: clinical testing. Allele origin: germline. Affected: yes.
Comment: Not observed in large population cohorts (Lek et al., 2016); In silico analysis supports a deleterious effect on splicing; Has not been previously published as pathogenic or benign to our knowledge

NM_138295.5(PKD1L1):c.4363-8T>G

Gene: PKD1L1 (polycystin 1 like 1, transient receptor potential channel interacting; minus strand). Cytogenetic location: 7p12.3.
Variant type: single nucleotide variant.
Coding change: c.4363-8T>G on transcript NM_138295.5 (MANE Select); 8 bases into the intron before coding-DNA position 4363, T replaced by G.
Molecular consequence: intron variant.
Genome position (GRCh38, 1-based): chr7:47,857,840, A>C on the plus strand (T>G on the coding strand, the complement: PKD1L1 is on the minus strand). VCF-style: chr7-47857840-A-C. GRCh37 (hg19) VCF-style: chr7-47897438-A-C.
Identifiers: ClinVar variation 1311995 (VCV001311995.2), dbSNP rs2128742311, ClinGen allele CA2573052891.